The following is an entry in ClinVar:

ClinVar aggregate classification (germline): Uncertain significance. Review status: criteria provided, multiple submitters, no conflicts (2 of 4 stars). 4 submissions from 4 submitters: Uncertain significance (4). Last evaluated 2025-12-17.

Conditions:
Fanconi anemia complementation group P. Also called: SLX4-Related Fanconi Anemia. Identifiers: Orphanet 84, MedGen C3469542, MONDO:0013499, OMIM 613951.
Inborn genetic diseases. Identifiers: MedGen C0950123, MeSH D030342.
Fanconi anemia (FA). Also called: Fanconi's anemia. Identifiers: Orphanet 84, MedGen C0015625, MeSH D005199, MONDO:0019391.

gnomAD v4.1: 6 of 1,593,710 alleles (0.00038%); highest among the groups gnomAD compares: Admixed American, 0.0051%; no homozygotes.

Submissions (4):

Labcorp Genetics (formerly Invitae), Labcorp
Classification: Uncertain significance for Fanconi anemia. Last evaluated: 2025-12-17. Review status: criteria provided, single submitter. Criteria: Invitae Variant Classification Sherloc (09022015). Collection method: clinical testing. Allele origin: germline.
Comment: This sequence change replaces serine, which is neutral and polar, with asparagine, which is neutral and polar, at codon 1452 of the SLX4 protein (p.Ser1452Asn). This variant is present in population databases (rs765104618, gnomAD 0.006%). This variant has not been reported in the literature in individuals affected with SLX4-related conditions. ClinVar contains an entry for this variant (Variation ID: 1476491). An algorithm developed to predict the effect of missense changes on protein structure and function (PolyPhen-2) suggests that this variant is likely to be disruptive. In summary, the available evidence is currently insufficient to determine the role of this variant in disease. Therefore, it has been classified as a Variant of Uncertain Significance.

Ambry Genetics
Classification: Uncertain significance for Inborn genetic diseases. Last evaluated: 2025-02-25. Review status: criteria provided, single submitter. Criteria: Ambry Variant Classification Scheme 2023. Collection method: clinical testing. Allele origin: germline.

Greenwood Genetic Center Diagnostic Laboratories, Greenwood Genetic Center
Classification: Uncertain significance. Last evaluated: 2024-02-07. Review status: criteria provided, single submitter. Criteria: ACMG Guidelines, 2015. Collection method: clinical testing. Allele origin: germline. Affected: yes.
Comment: PM2, PM3, PP3

Fulgent Genetics
Classification: Uncertain significance for Fanconi anemia complementation group P. Last evaluated: 2022-01-05. Review status: criteria provided, single submitter. Criteria: ACMG Guidelines, 2015. Collection method: clinical testing. Allele origin: unknown.

NM_032444.4(SLX4):c.4355G>A (p.Ser1452Asn)

Gene: SLX4 (SLX4 structure-specific endonuclease subunit; minus strand). Cytogenetic location: 16p13.3.
Variant type: single nucleotide variant.
Coding change: c.4355G>A on transcript NM_032444.4 (MANE Select); coding-DNA position 4355, G replaced by A.
Protein change: p.Ser1452Asn; replaces serine 1452 with asparagine.
Molecular consequence: missense variant.
Genome position (GRCh38, 1-based): chr16:3,589,283, C>T on the plus strand (G>A on the coding strand, the complement: SLX4 is on the minus strand). VCF-style: chr16-3589283-C-T. GRCh37 (hg19) VCF-style: chr16-3639284-C-T.
Other names: c.4355G>A (NM_032444.2); short protein forms S1452N.
Identifiers: ClinVar variation 1476491 (VCV001476491.9), dbSNP rs765104618, ClinGen allele CA7865676.